The following is an entry in ClinVar:

NM_001199799.2(ILDR1):c.912del (p.Asp305fs)

Gene: ILDR1 (immunoglobulin like domain containing receptor 1; minus strand). Cytogenetic location: 3q13.33.
Variant type: Deletion.
Coding change: c.912del on transcript NM_001199799.2 (MANE Select); coding-DNA position 912, one base deleted (T; older notation c.912delT).
Protein change: p.Asp305fs; shifts the reading frame from aspartic acid 305.
Molecular consequence: frameshift variant.
Genome position (GRCh38, 1-based): chr3:121,993,837, A deleted on the plus strand (T on the coding strand, the reverse complement: ILDR1 is on the minus strand). VCF-style (leftmost placement, unchanged base first): chr3-121993836-CA-C. GRCh37 (hg19) VCF-style: chr3-121712683-CA-C.
Other names: c.645del, p.Asp216fs (NM_001199800.2); c.780del, p.Asp261fs (NM_175924.4); short protein forms D216fs, D261fs, D305fs.
Identifiers: ClinVar variation 3075921 (VCV003075921.2), dbSNP rs2472802944, ClinGen allele CA2825001186.
Genomic context (GRCh38, chr3:121,993,836, plus strand): 5'-CGACCTCAGAGCCCAGGGAGGACAGCATGCTGCAGGGATGGCCAAATCTGCCTTTGAGGT[CA>C]GGGGGCAGAGGCTGGGCCAGGTTGAGGTTCCGCAGTTCTTTCTCCAAATACTCCAGGACA-3'

ClinVar aggregate classification (germline): Pathogenic/Likely pathogenic. Review status: criteria provided, multiple submitters, no conflicts (2 of 4 stars). 2 submissions from 2 submitters: Pathogenic (1); Likely pathogenic (1). Last evaluated 2024-05-15.

Conditions:
Autosomal recessive nonsyndromic hearing loss 42. Identifiers: Orphanet 90636, MedGen C1864818, MONDO:0012326, OMIM 609646.
Nonsyndromic genetic hearing loss. Also called: Nonsyndromic genetic deafness; Nonsyndromic hearing loss and deafness; Non-syndromic genetic deafness. Identifiers: Orphanet 87884, MedGen C5680182, MONDO:0019497.

Submissions (2):

Department of Human Genetics, Hannover Medical School
Classification: Pathogenic for Autosomal recessive nonsyndromic hearing loss 42. Last evaluated: 2024-05-15. Review status: criteria provided, single submitter. Criteria: ACMG Guidelines, 2015. Collection method: clinical testing. Allele origin: germline. Affected: yes.

Laboratory for Molecular Medicine, Mass General Brigham Personalized Medicine
Classification: Likely pathogenic for Nonsyndromic genetic hearing loss. Last evaluated: 2023-02-02. Review status: criteria provided, single submitter. Criteria: ACMG Guidelines, 2015. Collection method: clinical testing. Allele origin: germline.
Comment: The p.Asp305ThrfsX31 variant in ILDR1 has not been previously reported in individuals with nonsyndromic hearing loss and was absent from large population databases. This variant is predicted to cause a frameshift, which alters the protein’s amino acid sequence beginning at position 305 and leads to a premature termination codon 31 amino acids downstream. This alteration is then predicted to lead to a truncated or absent protein. Loss of function of the ILDR1 gene is an established disease mechanism in autosomal recessive nonsyndromic hearing loss. In summary, although additional studies are required to fully establish its clinical significance, this variant meets criteria to be classified as likely pathogenic for autosomal recessive nonsyndromic hearing loss. ACMG/AMP Criteria applied: PVS1, PM2_Supporting.